The following is an entry in ClinVar:

ClinVar aggregate classification (germline): Pathogenic. Review status: criteria provided, single submitter (1 of 4 stars). 2 submissions from 2 submitters: Pathogenic (1). 1 of the submissions does not count toward it. Last evaluated 2024-08-06.

Conditions:
Biotinidase deficiency. Also called: BTD deficiency; Late-onset biotin-responsive multiple carboxylase deficiency; Biotin deficiency. Identifiers: Orphanet 79241, MedGen C0220754, MONDO:0009665, OMIM 253260.

gnomAD v4.1: 1 of 1,614,166 alleles (0.000062%); highest among the groups gnomAD compares: Non-Finnish European, 0.000085%; no homozygotes.

Submissions (2):

Labcorp Genetics (formerly Invitae), Labcorp
Classification: Pathogenic for Biotinidase deficiency. Last evaluated: 2024-08-06. Review status: criteria provided, single submitter. Criteria: Invitae Variant Classification Sherloc (09022015). Collection method: clinical testing. Allele origin: germline.
Comment: This sequence change replaces glycine, which is neutral and non-polar, with glutamic acid, which is acidic and polar, at codon 445 of the BTD protein (p.Gly445Glu). This variant is not present in population databases (gnomAD no frequency). This missense change has been observed in individual(s) with biotinidase deficiency (PMID: 26810761). ClinVar contains an entry for this variant (Variation ID: 556288). Advanced modeling of protein sequence and biophysical properties (such as structural, functional, and spatial information, amino acid conservation, physicochemical variation, residue mobility, and thermodynamic stability) performed at Invitae indicates that this missense variant is expected to disrupt BTD protein function with a positive predictive value of 95%. This variant disrupts the p.Gly445 amino acid residue in BTD. Other variant(s) that disrupt this residue have been determined to be pathogenic (PMID: 9396567; Invitae). This suggests that this residue is clinically significant, and that variants that disrupt this residue are likely to be disease-causing. For these reasons, this variant has been classified as Pathogenic.

Counsyl
Classification: Uncertain significance for Biotinidase deficiency. Last evaluated: 2018-01-24. Review status: no assertion criteria provided. Collection method: clinical testing. Allele origin: unknown. Not counted in ClinVar's aggregate classification.

Literature cited by the submitters: PubMed 26810761 (cited by Labcorp Genetics (formerly Invitae), Labcorp and Counsyl); PubMed 9396567 (cited by Labcorp Genetics (formerly Invitae), Labcorp).

NM_001370658.1(BTD):c.1274G>A (p.Gly425Glu)

Gene: BTD (biotinidase; plus strand). Cytogenetic location: 3p25.1.
Variant type: single nucleotide variant.
Coding change: c.1274G>A on transcript NM_001370658.1 (MANE Select); coding-DNA position 1274, G replaced by A.
Protein change: p.Gly425Glu; replaces glycine 425 with glutamic acid.
Molecular consequence: missense variant. On other transcripts: intron variant (2).
Genome position (GRCh38, 1-based): chr3:15,645,190, G>A. VCF-style: chr3-15645190-G-A. GRCh37 (hg19) VCF-style: chr3-15686697-G-A.
Other names: c.1274G>A, p.Gly425Glu (NM_001407370.1, NM_001407371.1, NM_001407372.1 and 16 more transcripts); c.1015+259G>A (NM_001370752.1); c.399+3133G>A (NM_001370753.1); c.1334G>A, p.Gly445Glu (NM_000060.4); short protein forms G425E.
Identifiers: ClinVar variation 556288 (VCV000556288.9), dbSNP rs397514402, ClinGen allele CA351608570.